The following is an entry in ClinVar:

ClinVar aggregate classification (germline): Uncertain significance. Review status: criteria provided, multiple submitters, no conflicts (2 of 4 stars). 4 submissions from 4 submitters: Uncertain significance (4). Last evaluated 2026-08-17.

Conditions:
Hereditary cancer-predisposing syndrome. Also called: Neoplastic Syndromes, Hereditary; Tumor predisposition; Hereditary neoplastic syndrome; Hereditary Cancer Syndrome. Identifiers: Orphanet 140162, MedGen C0027672, MeSH D009386, MONDO:0015356.
CDH1-related disorder. Also called: CDH1-related condition.
Hereditary diffuse gastric adenocarcinoma (HDGC). Also called: DIFFUSE GASTRIC AND LOBULAR BREAST CANCER SYNDROME. Identifiers: Orphanet 26106, MedGen C1708349, MONDO:0007648, OMIM 137215.

Submissions (4):

PreventionGenetics, part of Exact Sciences
Classification: Uncertain significance for CDH1-related condition. Last evaluated: 2026-08-17. Review status: criteria provided, single submitter. Criteria: ACMG Guidelines, 2015. Collection method: clinical testing. Allele origin: germline.
Comment: The CDH1 c.2531G>C variant is predicted to result in the amino acid substitution p.Ser844Thr. To our knowledge, this variant has not been reported in the literature or in a large population database (gnomAD), indicating it is rare. It is classified as uncertain in ClinVar (Variation ID: 628533). At this time, the clinical significance of this variant is uncertain due to the absence of conclusive functional and genetic evidence.

Labcorp Genetics (formerly Invitae), Labcorp
Classification: Uncertain significance for Hereditary diffuse gastric adenocarcinoma. Last evaluated: 2025-08-07. Review status: criteria provided, single submitter. Criteria: Invitae Variant Classification Sherloc (09022015). Collection method: clinical testing. Allele origin: germline.
Comment: This sequence change replaces serine, which is neutral and polar, with threonine, which is neutral and polar, at codon 844 of the CDH1 protein (p.Ser844Thr). This variant is not present in population databases (gnomAD no frequency). This variant has not been reported in the literature in individuals affected with CDH1-related conditions. ClinVar contains an entry for this variant (Variation ID: 628533). An algorithm developed to predict the effect of missense changes on protein structure and function outputs the following: PolyPhen-2: "Benign". The threonine amino acid residue is found in multiple mammalian species, which suggests that this missense change does not adversely affect protein function. In summary, the available evidence is currently insufficient to determine the role of this variant in disease. Therefore, it has been classified as a Variant of Uncertain Significance.

Ambry Genetics
Classification: Uncertain significance for Hereditary cancer-predisposing syndrome. Last evaluated: 2024-01-02. Review status: criteria provided, single submitter. Criteria: Ambry Variant Classification Scheme 2023. Collection method: clinical testing. Allele origin: germline.
Comment: The p.S844T variant (also known as c.2531G>C), located in coding exon 16 of the CDH1 gene, results from a G to C substitution at nucleotide position 2531. The serine at codon 844 is replaced by threonine, an amino acid with similar properties. This amino acid position is well conserved in available vertebrate species. In addition, this alteration is predicted to be tolerated by in silico analysis. Since supporting evidence is limited at this time, the clinical significance of this alteration remains unclear.

Color Diagnostics, LLC DBA Color Health
Classification: Uncertain significance for Hereditary cancer-predisposing syndrome. Last evaluated: 2020-01-05. Review status: criteria provided, single submitter. Criteria: ACMG Guidelines, 2015. Collection method: clinical testing. Allele origin: germline.
Comment: This missense variant replaces serine with threonine at codon 844 of the CDH1 protein. Computational prediction suggests that this variant may not impact protein structure and function (internally defined REVEL score threshold <= 0.5, PMID: 27666373). Splice site prediction tools suggest that this variant may not impact RNA splicing. To our knowledge, functional studies have not been performed for this variant. This variant has not been reported in individuals affected with hereditary cancer in the literature. This variant has not been identified in the general population by the Genome Aggregation Database (gnomAD). The available evidence is insufficient to determine the role of this variant in disease conclusively. Therefore, this variant is classified as a Variant of Uncertain Significance.

NM_004360.5(CDH1):c.2531G>C (p.Ser844Thr)

Gene: CDH1 (cadherin 1; plus strand). Cytogenetic location: 16q22.1.
Variant type: single nucleotide variant.
Coding change: c.2531G>C on transcript NM_004360.5 (MANE Select); coding-DNA position 2531, G replaced by C.
Protein change: p.Ser844Thr; replaces serine 844 with threonine.
Molecular consequence: missense variant.
Genome position (GRCh38, 1-based): chr16:68,833,381, G>C. VCF-style: chr16-68833381-G-C. GRCh37 (hg19) VCF-style: chr16-68867284-G-C.
Other names: c.2348G>C, p.Ser783Thr (NM_001317184.2); c.983G>C, p.Ser328Thr (NM_001317185.2); c.566G>C, p.Ser189Thr (NM_001317186.2); short protein forms S844T, S189T, S328T, S783T.
Identifiers: ClinVar variation 628533 (VCV000628533.15), dbSNP rs1247754103, ClinGen allele CA396472325.
Genomic context (GRCh38, chr16:68,833,381, plus strand): 5'-CCCCGCCTTATGATTCTCTGCTCGTGTTTGACTATGAAGGAAGCGGTTCCGAAGCTGCTA[G>C]TCTGAGCTCCCTGAACTCCTCAGAGTCAGACAAAGACCAGGACTATGACTACTTGAACGA-3'
Protein context (NP_004351.1, residues 834-854): DYEGSGSEAA[Ser844Thr]LSSLNSSESD